The following is an entry in ClinVar:

NC_000014.9:g.99894629AAG[1]

Gene: EML1 (EMAP like 1; plus strand). Cytogenetic location: 14q32.2.
Variant type: Microsatellite.
Genome position: GRCh38 VCF-style: chr14-99894626-TAGA-T. GRCh37 (hg19) VCF-style: chr14-100360963-TAGA-T.
Identifiers: ClinVar variation 1418943 (VCV001418943.3), dbSNP rs759168069, ClinGen allele CA7342368.

ClinVar aggregate classification (germline): Uncertain significance (1 of 4 stars; one submission).

Submission:

Labcorp Genetics (formerly Invitae), Labcorp
Classification: Uncertain significance. Last evaluated: 2022-06-05. Review status: criteria provided, single submitter. Criteria: Invitae Variant Classification Sherloc (09022015). Collection method: clinical testing. Allele origin: germline.
Comment: This variant, c.551_553del, results in the deletion of 1 amino acid(s) of the EML1 protein (p.Glu184del), but otherwise preserves the integrity of the reading frame. This variant is present in population databases (rs759168069, gnomAD 0.1%). This variant has not been reported in the literature in individuals affected with EML1-related conditions. Experimental studies and prediction algorithms are not available or were not evaluated, and the functional significance of this variant is currently unknown. Algorithms developed to predict the effect of sequence changes on RNA splicing suggest that this variant may disrupt the consensus splice site. In summary, the available evidence is currently insufficient to determine the role of this variant in disease. Therefore, it has been classified as a Variant of Uncertain Significance.